The following is an entry in ClinVar:

ClinVar aggregate classification (germline): Uncertain significance (1 of 4 stars; one submission).

Conditions:
X-linked lymphoproliferative disease due to XIAP deficiency. Also called: XIAP DEFICIENCY; XIAP-Related Lymphoproliferative Disease, X-Linked. Identifiers: Orphanet 2442, Orphanet 538934, MedGen C1845076, MONDO:0010385, OMIM 300635.

Submission:

Labcorp Genetics (formerly Invitae), Labcorp
Classification: Uncertain significance for X-linked lymphoproliferative disease due to XIAP deficiency. Last evaluated: 2022-08-11. Review status: criteria provided, single submitter. Criteria: Invitae Variant Classification Sherloc (09022015). Collection method: clinical testing. Allele origin: germline.
Comment: This variant has not been reported in the literature in individuals affected with XIAP-related conditions. This variant is not present in population databases (gnomAD no frequency). Algorithms developed to predict the effect of missense changes on protein structure and function are either unavailable or do not agree on the potential impact of this missense change (SIFT: "Not Available"; PolyPhen-2: "Possibly Damaging"; Align-GVGD: "Not Available"). In summary, the available evidence is currently insufficient to determine the role of this variant in disease. Therefore, it has been classified as a Variant of Uncertain Significance. This sequence change replaces valine, which is neutral and non-polar, with isoleucine, which is neutral and non-polar, at codon 461 of the XIAP protein (p.Val461Ile).

NM_001167.4(XIAP):c.1381G>A (p.Val461Ile)

Gene: XIAP (X-linked inhibitor of apoptosis; plus strand). Cytogenetic location: Xq25.
Variant type: single nucleotide variant.
Coding change: c.1381G>A on transcript NM_001167.4 (MANE Select); coding-DNA position 1381, G replaced by A.
Protein change: p.Val461Ile; replaces valine 461 with isoleucine.
Molecular consequence: missense variant. On other transcripts: non-coding transcript variant (2).
Genome position (GRCh38, 1-based): chrX:123,907,068, G>A. VCF-style: chrX-123907068-G-A. GRCh37 (hg19) VCF-style: chrX-123040918-G-A.
Other names: c.1381G>A, p.Val461Ile (NM_001204401.2, NM_001378590.1, NM_001378591.1 and 1 more transcripts); short protein forms V461I.
Identifiers: ClinVar variation 1716133 (VCV001716133.5), dbSNP rs2522625377, ClinGen allele CA414128054.